The following is an entry in ClinVar:

NM_000455.5(STK11):c.1192G>C (p.Ala398Pro)

Gene: STK11 (serine/threonine kinase 11; plus strand). Cytogenetic location: 19p13.3.
Variant type: single nucleotide variant.
Coding change: c.1192G>C on transcript NM_000455.5 (MANE Select); coding-DNA position 1192, G replaced by C.
Protein change: p.Ala398Pro; replaces alanine 398 with proline.
Molecular consequence: missense variant. On other transcripts: non-coding transcript variant (1).
Genome position (GRCh38, 1-based): chr19:1,226,537, G>C. VCF-style: chr19-1226537-G-C. GRCh37 (hg19) VCF-style: chr19-1226536-G-C.
Other names: short protein forms A398P.
Identifiers: ClinVar variation 2866793 (VCV002866793.3), dbSNP rs2145436152, ClinGen allele CA402953630.

ClinVar aggregate classification (germline): Uncertain significance (1 of 4 stars; one submission).

Conditions:
Peutz-Jeghers syndrome (PJS). Also called: Periorificial lentiginosis syndrome; POLYPOSIS, HAMARTOMATOUS INTESTINAL; POLYPS-AND-SPOTS SYNDROME; Peutz-Jeghers polyposis. Identifiers: Orphanet 2869, MedGen C0031269, MeSH D010580, MONDO:0008280, OMIM 175200.

Submission:

Labcorp Genetics (formerly Invitae), Labcorp
Classification: Uncertain significance for Peutz-Jeghers syndrome. Last evaluated: 2023-05-22. Review status: criteria provided, single submitter. Criteria: Invitae Variant Classification Sherloc (09022015). Collection method: clinical testing. Allele origin: germline.
Comment: In summary, the available evidence is currently insufficient to determine the role of this variant in disease. Therefore, it has been classified as a Variant of Uncertain Significance. Advanced modeling of protein sequence and biophysical properties (such as structural, functional, and spatial information, amino acid conservation, physicochemical variation, residue mobility, and thermodynamic stability) performed at Invitae indicates that this missense variant is not expected to disrupt STK11 protein function. This variant has not been reported in the literature in individuals affected with STK11-related conditions. This variant is not present in population databases (gnomAD no frequency). This sequence change replaces alanine, which is neutral and non-polar, with proline, which is neutral and non-polar, at codon 398 of the STK11 protein (p.Ala398Pro).